The following is an entry in ClinVar:

NM_003640.5(ELP1):c.860T>C (p.Val287Ala)

Gene: ELP1 (elongator acetyltransferase complex subunit 1; minus strand). Cytogenetic location: 9q31.3.
Variant type: single nucleotide variant.
Coding change: c.860T>C on transcript NM_003640.5 (MANE Select); coding-DNA position 860, T replaced by C.
Protein change: p.Val287Ala; replaces valine 287 with alanine.
Molecular consequence: missense variant. On other transcripts: 5 prime UTR variant (1).
Genome position (GRCh38, 1-based): chr9:108,917,551, A>G on the plus strand (T>C on the coding strand, the complement: ELP1 is on the minus strand). VCF-style: chr9-108917551-A-G. GRCh37 (hg19) VCF-style: chr9-111679831-A-G.
Other names: c.518T>C, p.Val173Ala (NM_001318360.2); c.-188T>C (NM_001330749.2); short protein forms V173A, V287A.
Identifiers: ClinVar variation 1409968 (VCV001409968.5), dbSNP rs1031067109, ClinGen allele CA197521632.

ClinVar aggregate classification (germline): Uncertain significance (1 of 4 stars; one submission).

Allele frequency attached by ClinVar (database versions not stated): TOPMed below 0.00001.

Submission:

Labcorp Genetics (formerly Invitae), Labcorp
Classification: Uncertain significance. Last evaluated: 2021-09-02. Review status: criteria provided, single submitter. Criteria: Invitae Variant Classification Sherloc (09022015). Collection method: clinical testing. Allele origin: germline.
Comment: This sequence change replaces valine with alanine at codon 287 of the ELP1 protein (p.Val287Ala). The valine residue is moderately conserved and there is a small physicochemical difference between valine and alanine. This variant is not present in population databases (ExAC no frequency). This variant has not been reported in the literature in individuals affected with ELP1-related conditions. Algorithms developed to predict the effect of missense changes on protein structure and function (SIFT, PolyPhen-2, Align-GVGD) all suggest that this variant is likely to be tolerated. In summary, the available evidence is currently insufficient to determine the role of this variant in disease. Therefore, it has been classified as a Variant of Uncertain Significance.